The following is an entry in ClinVar:

ClinVar aggregate classification (germline): Uncertain significance (1 of 4 stars; one submission).

Allele frequency attached by ClinVar (database versions not stated): gnomAD exomes below 0.00001.

Submission:

Labcorp Genetics (formerly Invitae), Labcorp
Classification: Uncertain significance. Last evaluated: 2023-01-28. Review status: criteria provided, single submitter. Criteria: Invitae Variant Classification Sherloc (09022015). Collection method: clinical testing. Allele origin: germline.
Comment: This sequence change replaces alanine, which is neutral and non-polar, with valine, which is neutral and non-polar, at codon 876 of the REST protein (p.Ala876Val). This variant is not present in population databases (gnomAD no frequency). In summary, the available evidence is currently insufficient to determine the role of this variant in disease. Therefore, it has been classified as a Variant of Uncertain Significance. Algorithms developed to predict the effect of missense changes on protein structure and function (SIFT, PolyPhen-2, Align-GVGD) all suggest that this variant is likely to be tolerated. This variant has not been reported in the literature in individuals affected with REST-related conditions.

NM_005612.5(REST):c.2627C>T (p.Ala876Val)

Gene: REST (RE1 silencing transcription factor; plus strand). Cytogenetic location: 4q12.
Variant type: single nucleotide variant.
Coding change: c.2627C>T on transcript NM_005612.5 (MANE Select); coding-DNA position 2627, C replaced by T.
Protein change: p.Ala876Val; replaces alanine 876 with valine.
Molecular consequence: missense variant.
Genome position (GRCh38, 1-based): chr4:56,931,485, C>T. VCF-style: chr4-56931485-C-T. GRCh37 (hg19) VCF-style: chr4-57797651-C-T.
Other names: c.2627C>T, p.Ala876Val (NM_001193508.2, NM_001363453.3); short protein forms A876V.
Identifiers: ClinVar variation 2832569 (VCV002832569.3), dbSNP rs2475853772, ClinGen allele CA357009196.